The following is an entry in ClinVar:

ClinVar aggregate classification (germline): Uncertain significance (1 of 4 stars; one submission).

Submission:

GeneDx
Classification: Uncertain significance. Last evaluated: 2022-12-13. Review status: criteria provided, single submitter. Criteria: GeneDx Variant Classification Process June 2021. Collection method: clinical testing. Allele origin: germline. Affected: yes.
Comment: Not observed at significant frequency in large population cohorts (gnomAD); In silico analysis supports that this missense variant has a deleterious effect on protein structure/function; Has not been previously published as pathogenic or benign to our knowledge

NM_002516.4(NOVA2):c.148A>G (p.Lys50Glu)

Gene: NOVA2 (NOVA alternative splicing regulator 2; minus strand). Cytogenetic location: 19q13.32.
Variant type: single nucleotide variant.
Coding change: c.148A>G on transcript NM_002516.4 (MANE Select); coding-DNA position 148, A replaced by G.
Protein change: p.Lys50Glu; replaces lysine 50 with glutamic acid.
Molecular consequence: missense variant.
Genome position (GRCh38, 1-based): chr19:45,961,091, T>C on the plus strand (A>G on the coding strand, the complement: NOVA2 is on the minus strand). VCF-style: chr19-45961091-T-C. GRCh37 (hg19) VCF-style: chr19-46464349-T-C.
Other names: short protein forms K50E.
Identifiers: ClinVar variation 2505704 (VCV002505704.1), dbSNP rs2513865872, ClinGen allele CA406444032.